The following is an entry in ClinVar:

NM_152703.5(SAMD9L):c.2060T>G (p.Phe687Cys)

Gene: SAMD9L (sterile alpha motif domain containing 9 like; minus strand). Cytogenetic location: 7q21.2.
Variant type: single nucleotide variant.
Coding change: c.2060T>G on transcript NM_152703.5 (MANE Select); coding-DNA position 2060, T replaced by G.
Protein change: p.Phe687Cys; replaces phenylalanine 687 with cysteine.
Molecular consequence: missense variant.
Genome position (GRCh38, 1-based): chr7:93,133,912, A>C on the plus strand (T>G on the coding strand, the complement: SAMD9L is on the minus strand). VCF-style: chr7-93133912-A-C. GRCh37 (hg19) VCF-style: chr7-92763225-A-C.
Other names: c.2060T>G, p.Phe687Cys (NM_001303496.3, NM_001303497.3, NM_001303498.3 and 5 more transcripts); short protein forms F687C.
Identifiers: ClinVar variation 3639797 (VCV003639797.2).

ClinVar aggregate classification (germline): Uncertain significance (1 of 4 stars; one submission).

Submission:

Labcorp Genetics (formerly Invitae), Labcorp
Classification: Uncertain significance. Last evaluated: 2024-02-17. Review status: criteria provided, single submitter. Criteria: Invitae Variant Classification Sherloc (09022015). Collection method: clinical testing. Allele origin: germline.
Comment: This sequence change replaces phenylalanine, which is neutral and non-polar, with cysteine, which is neutral and slightly polar, at codon 687 of the SAMD9L protein (p.Phe687Cys). This variant is not present in population databases (gnomAD no frequency). This variant has not been reported in the literature in individuals affected with SAMD9L-related conditions. Advanced modeling of protein sequence and biophysical properties (such as structural, functional, and spatial information, amino acid conservation, physicochemical variation, residue mobility, and thermodynamic stability) performed at Invitae indicates that this missense variant is expected to disrupt SAMD9L protein function with a positive predictive value of 80%. In summary, the available evidence is currently insufficient to determine the role of this variant in disease. Therefore, it has been classified as a Variant of Uncertain Significance.